The following is an entry in ClinVar:

NM_000278.5(PAX2):c.320C>T (p.Pro107Leu)

Gene: PAX2 (paired box 2; plus strand). Cytogenetic location: 10q24.31.
Variant type: single nucleotide variant.
Coding change: c.320C>T on transcript NM_000278.5 (MANE Select); coding-DNA position 320, C replaced by T.
Protein change: p.Pro107Leu; replaces proline 107 with leucine.
Molecular consequence: missense variant.
Genome position (GRCh38, 1-based): chr10:100,750,801, C>T. VCF-style: chr10-100750801-C-T. GRCh37 (hg19) VCF-style: chr10-102510558-C-T.
Other names: c.413C>T, p.Pro138Leu (NM_001304569.2); c.320C>T, p.Pro107Leu (NM_003987.5, NM_003988.5, NM_003989.5 and 1 more transcripts); short protein forms P107L, P138L.
Identifiers: ClinVar variation 1410004 (VCV001410004.7), dbSNP rs774231216, ClinGen allele CA5650699.
Genomic context (GRCh38, chr10:100,750,801, plus strand): 5'-AGCCCAAAGTGGCGACGCCCAAAGTGGTGGACAAGATTGCTGAATACAAACGACAGAACC[C>T]GACTATGTTCGCCTGGGAGATTCGAGACCGGCTCCTGGCCGAGGGCATCTGTGACAATGA-3'
Protein context (NP_000269.3, residues 97-117): DKIAEYKRQN[Pro107Leu]TMFAWEIRDR

ClinVar aggregate classification (germline): Uncertain significance. Review status: criteria provided, multiple submitters, no conflicts (2 of 4 stars). 2 submissions from 2 submitters: Uncertain significance (2). Last evaluated 2021-12-16.

Conditions:
Focal segmental glomerulosclerosis 7 (FSGS7). Identifiers: Orphanet 656, MedGen C4014925, MONDO:0014451, OMIM 616002.
Renal coloboma syndrome (PAPRS). Also called: COLOBOMA OF OPTIC NERVE WITH RENAL DISEASE; PAPILLORENAL SYNDROME WITH MILD OCULAR ABNORMALITIES; PAPILLORENAL SYNDROME; CONGENITAL ANOMALIES OF THE KIDNEY AND URINARY TRACT WITH OR WITHOUT OCULAR ABNORMALITIES; CAKUT WITH OR WITHOUT OCULAR ABNORMALITIES; OPTIC COLOBOMA, VESICOURETERAL REFLUX, AND RENAL ANOMALIES. Identifiers: Orphanet 1475, MedGen C1852759, MONDO:0007352, OMIM 120330.

Allele frequency attached by ClinVar (database versions not stated): ExAC 0.00001; gnomAD exomes 0.00001.
gnomAD v4.1: 10 of 1,614,182 alleles (0.00062%); highest among the groups gnomAD compares: African/African-American, 0.0027%; no homozygotes.

Submissions (2):

Fulgent Genetics
Classification: Uncertain significance for Renal coloboma syndrome; Focal segmental glomerulosclerosis 7. Last evaluated: 2021-12-16. Review status: criteria provided, single submitter. Criteria: ACMG Guidelines, 2015. Collection method: clinical testing. Allele origin: unknown.

Labcorp Genetics (formerly Invitae), Labcorp
Classification: Uncertain significance for Renal coloboma syndrome; Focal segmental glomerulosclerosis 7. Last evaluated: 2021-10-08. Review status: criteria provided, single submitter. Criteria: Invitae Variant Classification Sherloc (09022015). Collection method: clinical testing. Allele origin: germline.
Comment: This variant is present in population databases (rs774231216, ExAC 0.01%). This missense change has been observed in individual(s) with congenital anomalies of the kidney and urinary tract (PMID: 24429398). Algorithms developed to predict the effect of missense changes on protein structure and function are either unavailable or do not agree on the potential impact of this missense change (SIFT: "Not Available"; PolyPhen-2: "Probably Damaging"; Align-GVGD: "Not Available"). In summary, the available evidence is currently insufficient to determine the role of this variant in disease. Therefore, it has been classified as a Variant of Uncertain Significance. This sequence change replaces proline with leucine at codon 107 of the PAX2 protein (p.Pro107Leu). The proline residue is highly conserved and there is a moderate physicochemical difference between proline and leucine.

Literature cited by the submitters: PubMed 24429398 (cited by Labcorp Genetics (formerly Invitae), Labcorp).